The following is an entry in ClinVar:

NM_003978.5(PSTPIP1):c.1104C>A (p.Tyr368Ter)

Gene: PSTPIP1 (proline-serine-threonine phosphatase interacting protein 1; plus strand). Cytogenetic location: 15q24.3.
Variant type: single nucleotide variant.
Coding change: c.1104C>A on transcript NM_003978.5 (MANE Select); coding-DNA position 1104, C replaced by A.
Protein change: p.Tyr368Ter; replaces tyrosine 368 with a stop codon.
Molecular consequence: nonsense. On other transcripts: non-coding transcript variant (1).
Genome position (GRCh38, 1-based): chr15:77,035,920, C>A. VCF-style: chr15-77035920-C-A. GRCh37 (hg19) VCF-style: chr15-77328261-C-A.
Other names: c.1047C>A, p.Tyr349Ter (NM_001321135.2); c.1077C>A, p.Tyr359Ter (NM_001321136.2); c.1299C>A, p.Tyr433Ter (NM_001321137.1); short protein forms Y349*, Y368*, Y359*, Y433*.
Identifiers: ClinVar variation 958645 (VCV000958645.7), dbSNP rs368373680, ClinGen allele CA393521876.

ClinVar aggregate classification (germline): Uncertain significance (1 of 4 stars; one submission).

Conditions:
Pyogenic arthritis-pyoderma gangrenosum-acne syndrome (PAPA). Also called: PAPA SYNDROME; FAMILIAL RECURRENT ARTHRITIS. Identifiers: Orphanet 69126, MedGen C1858361, MONDO:0011462, OMIM 604416.

gnomAD v4.1: 5 of 1,605,838 alleles (0.00031%); highest among the groups gnomAD compares: Non-Finnish European, 0.00042%; no homozygotes.

Submission:

Labcorp Genetics (formerly Invitae), Labcorp
Classification: Uncertain significance for Pyogenic arthritis-pyoderma gangrenosum-acne syndrome. Last evaluated: 2024-10-02. Review status: criteria provided, single submitter. Criteria: Invitae Variant Classification Sherloc (09022015). Collection method: clinical testing. Allele origin: germline.
Comment: This sequence change creates a premature translational stop signal (p.Tyr368*) in the PSTPIP1 gene. While this is not anticipated to result in nonsense mediated decay, it is expected to disrupt the last 49 amino acid(s) of the PSTPIP1 protein. This variant is not present in population databases (gnomAD no frequency). This variant has not been reported in the literature in individuals affected with PSTPIP1-related conditions. ClinVar contains an entry for this variant (Variation ID: 958645). Experimental studies and prediction algorithms are not available or were not evaluated, and the functional significance of this variant is currently unknown. In summary, the available evidence is currently insufficient to determine the role of this variant in disease. Therefore, it has been classified as a Variant of Uncertain Significance.